The following is an entry in ClinVar:

ClinVar aggregate classification (germline): Likely benign. Review status: criteria provided, single submitter (1 of 4 stars). 2 submissions from 2 submitters: Likely benign (1). 1 of the submissions does not count toward it. Last evaluated 2023-02-01.

Conditions:
INTS8-related disorder. Also called: INTS8-related condition.

Allele frequency attached by ClinVar (database versions not stated): ExAC 0.00076; 1000 Genomes Project 0.00200; 1000 Genomes Project 30x 0.00203; ESP Exome Variant Server 0.00223; gnomAD 0.00277; TOPMed 0.00295.
gnomAD v4.1: 823 of 1,587,646 alleles (0.052%); highest among the groups gnomAD compares: African/African-American, 0.95%; 4 homozygotes.

Submissions (2):

CeGaT Center for Human Genetics Tuebingen
Classification: Likely benign. Last evaluated: 2023-02-01. Review status: criteria provided, single submitter. Criteria: CeGaT Center For Human Genetics Tuebingen Variant Classification Criteria Version 2. Collection method: clinical testing. Allele origin: germline. Affected: yes. Observed: 1 variant allele.
Comment: INTS8: BS2

PreventionGenetics, part of Exact Sciences
Classification: Benign for INTS8-related condition. Last evaluated: 2019-12-05. Review status: no assertion criteria provided. Collection method: clinical testing. Allele origin: germline. Not counted in ClinVar's aggregate classification.
Comment: This variant is classified as benign based on ACMG/AMP sequence variant interpretation guidelines (Richards et al. 2015 PMID: 25741868, with internal and published modifications).

NM_017864.4(INTS8):c.1636A>T (p.Asn546Tyr)

Gene: INTS8 (integrator complex subunit 8; plus strand). Cytogenetic location: 8q22.1.
Variant type: single nucleotide variant.
Coding change: c.1636A>T on transcript NM_017864.4 (MANE Select); coding-DNA position 1636, A replaced by T.
Protein change: p.Asn546Tyr; replaces asparagine 546 with tyrosine.
Molecular consequence: missense variant. On other transcripts: non-coding transcript variant (2).
Genome position (GRCh38, 1-based): chr8:94,851,681, A>T. VCF-style: chr8-94851681-A-T. GRCh37 (hg19) VCF-style: chr8-95863909-A-T.
Other names: c.1636A>T (NM_017864.3); short protein forms N546Y.
Identifiers: ClinVar variation 2658698 (VCV002658698.25), dbSNP rs150251689, ClinGen allele CA4813622.